The following is an entry in ClinVar:

ClinVar aggregate classification (germline): Uncertain significance (1 of 4 stars; one submission).

Submission:

Labcorp Genetics (formerly Invitae), Labcorp
Classification: Uncertain significance. Last evaluated: 2024-12-02. Review status: criteria provided, single submitter. Criteria: Invitae Variant Classification Sherloc (09022015). Collection method: clinical testing. Allele origin: germline.
Comment: This sequence change replaces valine, which is neutral and non-polar, with alanine, which is neutral and non-polar, at codon 522 of the CNTNAP1 protein (p.Val522Ala). This variant is not present in population databases (gnomAD no frequency). This variant has not been reported in the literature in individuals affected with CNTNAP1-related conditions. An algorithm developed to predict the effect of missense changes on protein structure and function (PolyPhen-2) suggests that this variant is likely to be tolerated. In summary, the available evidence is currently insufficient to determine the role of this variant in disease. Therefore, it has been classified as a Variant of Uncertain Significance.

NM_003632.3(CNTNAP1):c.1565T>C (p.Val522Ala)

Gene: CNTNAP1 (contactin associated protein 1; plus strand). Cytogenetic location: 17q21.2.
Variant type: single nucleotide variant.
Coding change: c.1565T>C on transcript NM_003632.3 (MANE Select); coding-DNA position 1565, T replaced by C.
Protein change: p.Val522Ala; replaces valine 522 with alanine.
Molecular consequence: missense variant.
Genome position (GRCh38, 1-based): chr17:42,688,984, T>C. VCF-style: chr17-42688984-T-C. GRCh37 (hg19) VCF-style: chr17-40841002-T-C.
Other names: short protein forms V522A.
Identifiers: ClinVar variation 3642649 (VCV003642649.2).